The following is an entry in ClinVar:

NM_016507.4(CDK12):c.1397C>T (p.Thr466Ile)

Gene: CDK12 (cyclin dependent kinase 12; plus strand). Cytogenetic location: 17q12.
Variant type: single nucleotide variant.
Coding change: c.1397C>T on transcript NM_016507.4 (MANE Select); coding-DNA position 1397, C replaced by T.
Protein change: p.Thr466Ile; replaces threonine 466 with isoleucine.
Molecular consequence: missense variant.
Genome position (GRCh38, 1-based): chr17:39,471,229, C>T. VCF-style: chr17-39471229-C-T. GRCh37 (hg19) VCF-style: chr17-37627482-C-T.
Other names: c.1397C>T, p.Thr466Ile (NM_015083.4); short protein forms T466I.
Identifiers: ClinVar variation 3830646 (VCV003830646.1).

ClinVar aggregate classification (germline): Uncertain significance (1 of 4 stars; one submission).

gnomAD v4.1: 6 of 1,602,208 alleles (0.00037%); highest among the groups gnomAD compares: Non-Finnish European, 0.00051%; no homozygotes.

Submission:

Ambry Genetics
Classification: Uncertain significance. Last evaluated: 2025-02-09. Review status: criteria provided, single submitter. Criteria: Ambry Variant Classification Scheme 2023. Collection method: clinical testing. Allele origin: germline.
Comment: The p.T466I variant (also known as c.1397C>T), located in coding exon 2 of the CDK12 gene, results from a C to T substitution at nucleotide position 1397. The threonine at codon 466 is replaced by isoleucine, an amino acid with similar properties. This amino acid position is conserved. In addition, this alteration is predicted to be tolerated by in silico analysis. Based on the available evidence, the clinical significance of this variant remains unclear.